The following is an entry in ClinVar:

NM_001349338.3(FOXP1):c.1333G>A (p.Val445Met)

Gene: FOXP1 (forkhead box P1; minus strand). Cytogenetic location: 3p13.
Variant type: single nucleotide variant.
Coding change: c.1333G>A on transcript NM_001349338.3 (MANE Select); coding-DNA position 1333, G replaced by A.
Protein change: p.Val445Met; replaces valine 445 with methionine.
Molecular consequence: missense variant. On other transcripts: non-coding transcript variant (2).
Genome position (GRCh38, 1-based): chr3:70,977,843, C>T on the plus strand (G>A on the coding strand, the complement: FOXP1 is on the minus strand). VCF-style: chr3-70977843-C-T. GRCh37 (hg19) VCF-style: chr3-71026994-C-T.
Other names: c.1333G>A, p.Val445Met (NM_001349340.3, NM_032682.6, NM_001244808.3 and 3 more transcripts); c.1330G>A, p.Val444Met (NM_001349341.3); c.1033G>A, p.Val345Met (NM_001349342.3, NM_001370548.1, NM_001244813.3 and 1 more transcripts); c.1030G>A, p.Val344Met (NM_001349343.3, NM_001349344.3, NM_001349337.2); c.1105G>A, p.Val369Met (NM_001244812.3); short protein forms V345M, V369M, V344M, V444M, V445M.
Identifiers: ClinVar variation 748104 (VCV000748104.15), dbSNP rs147756430, ClinGen allele CA2491031.

ClinVar aggregate classification (germline): Benign/Likely benign. Review status: criteria provided, multiple submitters, no conflicts (2 of 4 stars). 6 submissions from 6 submitters: Benign (3); Likely benign (2). 1 of the submissions does not count toward it. Last evaluated 2026-04-01.

Conditions:
FOXP1-related disorder. Also called: FOXP1-related condition.

Allele frequency attached by ClinVar (database versions not stated): TOPMed 0.00010; ESP Exome Variant Server 0.00015; gnomAD 0.00044; ExAC 0.00087; 1000 Genomes Project 30x 0.00094; 1000 Genomes Project 0.00120.
gnomAD v4.1: 632 of 1,614,060 alleles (0.039%); highest among the groups gnomAD compares: South Asian, 0.12%; 5 homozygotes.

Submissions (6):

CeGaT Center for Human Genetics Tuebingen
Classification: Likely benign. Last evaluated: 2026-04-01. Review status: criteria provided, single submitter. Criteria: CeGaT Center For Human Genetics Tuebingen Variant Classification Criteria Version 2. Collection method: clinical testing. Allele origin: germline. Affected: yes. Observed: 1 variant allele.
Comment: FOXP1: BS1

Labcorp Genetics (formerly Invitae), Labcorp
Classification: Benign. Last evaluated: 2025-12-24. Review status: criteria provided, single submitter. Criteria: Invitae Variant Classification Sherloc (09022015). Collection method: clinical testing. Allele origin: germline.

Blueprint Genetics
Classification: Likely benign. Last evaluated: 2024-09-10. Review status: criteria provided, single submitter. Criteria: ACMG Guidelines, 2015. Collection method: clinical testing. Allele origin: germline.

GeneDx
Classification: Benign. Last evaluated: 2021-01-13. Review status: criteria provided, single submitter. Criteria: GeneDx Variant Classification Process June 2021. Collection method: clinical testing. Allele origin: germline. Affected: yes.
Comment: This variant is associated with the following publications: (PMID: 20950788)

Breakthrough Genomics
Classification: Benign. Review status: criteria provided, single submitter. Criteria: ACMG Guidelines, 2015. Collection method: not provided. Allele origin: germline. Inheritance: Autosomal dominant inheritance. Affected: yes.

PreventionGenetics, part of Exact Sciences
Classification: Likely benign for FOXP1-related condition. Last evaluated: 2021-01-20. Review status: no assertion criteria provided. Collection method: clinical testing. Allele origin: germline. Not counted in ClinVar's aggregate classification.
Comment: This variant is classified as likely benign based on ACMG/AMP sequence variant interpretation guidelines (Richards et al. 2015 PMID: 25741868, with internal and published modifications).